The following is an entry in ClinVar:

NM_001943.5(DSG2):c.2880C>G (p.Ser960Arg)

Genes: DSG2-AS1 (DSG2 antisense RNA 1; minus strand), DSG2 (desmoglein 2; plus strand). Cytogenetic location: 18q12.1.
Variant type: single nucleotide variant.
Coding change: c.2880C>G on transcript NM_001943.5 (MANE Select); coding-DNA position 2880, C replaced by G.
Protein change: p.Ser960Arg; replaces serine 960 with arginine.
Molecular consequence: missense variant.
Genome position (GRCh38, 1-based): chr18:31,546,266, C>G. VCF-style: chr18-31546266-C-G. GRCh37 (hg19) VCF-style: chr18-29126229-C-G.
Other names: p.S960R:AGC>AGG; c.2880C>G (LRG_397t1); short protein forms S960R.
Identifiers: ClinVar variation 199793 (VCV000199793.13), dbSNP rs374807974, ClinGen allele CA021914.

ClinVar aggregate classification (germline): Conflicting classifications of pathogenicity. Review status: criteria provided, conflicting classifications (1 of 4 stars). 6 submissions from 6 submitters: Uncertain significance (4); Likely benign (1). 1 of the submissions does not count toward it. Last evaluated 2025-01-29.

Conditions:
DSG2-related disorder. Also called: DSG2-related condition.
Cardiovascular phenotype. Identifiers: MedGen CN230736.
Cardiomyopathy (CMYO). Also called: Cardiomyopathies. Identifiers: Orphanet 167848, MedGen C0878544, MONDO:0004994, HP:0001638. Inheritance: Various modes of inheritance.
Arrhythmogenic right ventricular cardiomyopathy (ARVD). Also called: Arrhythmogenic cardiomyopathy; Arrhythmogenic Right Ventricular Cardiomyopathy (ARVC); Cardiomyopathy, ARVC; Arrhythmogenic right ventricular dysplasia. Identifiers: Orphanet 247, MedGen C0349788, MeSH D019571, MONDO:0016587. Disease mechanism: loss of function. Inheritance: Various modes of inheritance.
Arrhythmogenic right ventricular dysplasia 10. Also called: Arrhythmogenic right ventricular dysplasia/cardiomyopathy, type 10; Arrhythmogenic Right Ventricular Dysplasia/Cardiomyopathy10; ARRHYTHMOGENIC RIGHT VENTRICULAR DYSPLASIA, FAMILIAL, 10. Identifiers: MedGen C1857777, MONDO:0012434, OMIM 610193.

Allele frequency attached by ClinVar (database versions not stated): gnomAD 0.00003; TOPMed 0.00006; ESP Exome Variant Server 0.00008.
gnomAD v4.1: 19 of 1,603,384 alleles (0.0012%); highest among the groups gnomAD compares: African/African-American, 0.016%; no homozygotes.

Submissions (6):

Labcorp Genetics (formerly Invitae), Labcorp
Classification: Uncertain significance for Arrhythmogenic right ventricular dysplasia 10. Last evaluated: 2025-01-29. Review status: criteria provided, single submitter. Criteria: Invitae Variant Classification Sherloc (09022015). Collection method: clinical testing. Allele origin: germline.
Comment: This sequence change replaces serine, which is neutral and polar, with arginine, which is basic and polar, at codon 960 of the DSG2 protein (p.Ser960Arg). This variant is present in population databases (rs374807974, gnomAD 0.01%). This variant has not been reported in the literature in individuals affected with DSG2-related conditions. ClinVar contains an entry for this variant (Variation ID: 199793). Invitae Evidence Modeling of protein sequence and biophysical properties (such as structural, functional, and spatial information, amino acid conservation, physicochemical variation, residue mobility, and thermodynamic stability) indicates that this missense variant is not expected to disrupt DSG2 protein function with a negative predictive value of 95%. In summary, the available evidence is currently insufficient to determine the role of this variant in disease. Therefore, it has been classified as a Variant of Uncertain Significance.

All of Us Research Program, National Institutes of Health
Classification: Uncertain significance for Arrhythmogenic right ventricular cardiomyopathy. Last evaluated: 2024-05-30. Review status: criteria provided, single submitter. Criteria: ACMG Guidelines, 2015. Collection method: clinical testing. Allele origin: germline. Inheritance: Autosomal dominant inheritance. Observed: 4 variant alleles, 4 heterozygotes.
Comment: This missense variant replaces serine with arginine at codon 960 of the DSG2 protein. Computational prediction tool suggests that this variant may not impact protein structure and function (internally defined REVEL score threshold <=0.5, PMID: 27666373). Splice site prediction tools suggest that this variant may not impact RNA splicing. To our knowledge, functional studies have not been performed for this variant. This variant has not been reported in individuals affected with cardiovascular disorders in the literature. This variant has been identified in 3/272736 chromosomes in the general population by the Genome Aggregation Database (gnomAD). The available evidence is insufficient to determine the role of this variant in disease conclusively. Therefore, this variant is classified as a Variant of Uncertain Significance.

This study involves interpretation of variants in research participants for the purpose of population health screening. Participant phenotype was not available at the time of variant classification. Additional details can be found in publication PMID: 35346344, PMCID: PMC8962531

Color Diagnostics, LLC DBA Color Health
Classification: Uncertain significance for Cardiomyopathy. Last evaluated: 2024-03-06. Review status: criteria provided, single submitter. Criteria: ACMG Guidelines, 2015. Collection method: clinical testing. Allele origin: germline.
Comment: This missense variant replaces serine with arginine at codon 960 of the DSG2 protein. Computational prediction suggests that this variant may not impact protein structure and function (internally defined REVEL score threshold <= 0.5, PMID: 27666373). To our knowledge, functional studies have not been reported for this variant. This variant has not been reported in individuals affected with DSG2-related disorders in the literature. This variant has been identified in 3/272736 chromosomes in the general population by the Genome Aggregation Database (gnomAD). The available evidence is insufficient to determine the role of this variant in disease conclusively. Therefore, this variant is classified as a Variant of Uncertain Significance.

Ambry Genetics
Classification: Uncertain significance for Cardiovascular phenotype. Last evaluated: 2023-12-26. Review status: criteria provided, single submitter. Criteria: Ambry Variant Classification Scheme 2023. Collection method: clinical testing. Allele origin: germline.
Comment: The p.S960R variant (also known as c.2880C>G), located in coding exon 15 of the DSG2 gene, results from a C to G substitution at nucleotide position 2880. The serine at codon 960 is replaced by arginine, an amino acid with dissimilar properties. This amino acid position is poorly conserved in available vertebrate species. In addition, this alteration is predicted to be tolerated by in silico analysis. Since supporting evidence is limited at this time, the clinical significance of this alteration remains unclear.

GeneDx
Classification: Likely benign. Last evaluated: 2014-03-25. Review status: criteria provided, single submitter. Criteria: GeneDx Variant Classification (06012015). Collection method: clinical testing. Allele origin: germline. Affected: yes.
Comment: This variant is considered likely benign or benign based on one or more of the following criteria: it is a conservative change, it occurs at a poorly conserved position in the protein, it is predicted to be benign by multiple in silico algorithms, and/or has population frequency not consistent with disease.

PreventionGenetics, part of Exact Sciences
Classification: Uncertain significance for DSG2-related condition. Last evaluated: 2024-03-13. Review status: no assertion criteria provided. Collection method: clinical testing. Allele origin: germline. Not counted in ClinVar's aggregate classification.
Comment: The DSG2 c.2880C>G variant is predicted to result in the amino acid substitution p.Ser960Arg. To our knowledge, this variant has not been reported in the literature. This variant is reported in 0.012% of alleles in individuals of African descent in gnomAD. At this time, the clinical significance of this variant is uncertain due to the absence of conclusive functional and genetic evidence.